The following is an entry in ClinVar:

ClinVar aggregate classification (germline): Uncertain significance (1 of 4 stars; one submission).

Allele frequency attached by ClinVar (database versions not stated): gnomAD exomes below 0.00001.
gnomAD v4.1: 1 of 1,614,214 alleles (0.000062%); highest among the groups gnomAD compares: East Asian, 0.0022%; no homozygotes.

Submission:

Ambry Genetics
Classification: Uncertain significance. Last evaluated: 2022-05-19. Review status: criteria provided, single submitter. Criteria: Ambry Variant Classification Scheme 2023. Collection method: clinical testing. Allele origin: germline.
Comment: The p.R600K variant (also known as c.1799G>A), located in coding exon 3 of the ALPK2 gene, results from a G to A substitution at nucleotide position 1799. The arginine at codon 600 is replaced by lysine, an amino acid with highly similar properties. This amino acid position is conserved. In addition, this alteration is predicted to be tolerated by in silico analysis. Since supporting evidence is limited at this time, the clinical significance of this alteration remains unclear.

NM_052947.4(ALPK2):c.1799G>A (p.Arg600Lys)

Gene: ALPK2 (alpha kinase 2; minus strand). Cytogenetic location: 18q21.31.
Variant type: single nucleotide variant.
Coding change: c.1799G>A on transcript NM_052947.4 (MANE Select); coding-DNA position 1799, G replaced by A.
Protein change: p.Arg600Lys; replaces arginine 600 with lysine.
Molecular consequence: missense variant.
Genome position (GRCh38, 1-based): chr18:58,578,977, C>T on the plus strand (G>A on the coding strand, the complement: ALPK2 is on the minus strand). VCF-style: chr18-58578977-C-T. GRCh37 (hg19) VCF-style: chr18-56246209-C-T.
Other names: short protein forms R600K.
Identifiers: ClinVar variation 1780312 (VCV001780312.2), dbSNP rs1250028745, ClinGen allele CA402560144.